The following is an entry in ClinVar:

ClinVar aggregate classification (germline): Conflicting classifications of pathogenicity. Review status: criteria provided, conflicting classifications (1 of 4 stars). 11 submissions from 10 submitters: Uncertain significance (1); Likely benign (10). Last evaluated 2026-02-02.

Conditions:
PRKAR1A-related disorder. Also called: PRKAR1A-related condition.
Hereditary cancer. Identifiers: MedGen C1333600.
Hereditary cancer-predisposing syndrome. Also called: Neoplastic Syndromes, Hereditary; Hereditary neoplastic syndrome; Hereditary Cancer Syndrome; Tumor predisposition. Identifiers: Orphanet 140162, MedGen C0027672, MeSH D009386, MONDO:0015356.
Acrodysostosis 1 with or without hormone resistance (ACRDYS1). Also called: ACRODYSOSTOSIS WITH HORMONE RESISTANCE; ACRODYSOSTOSIS 1 WITH HORMONE RESISTANCE; ACRODYSOSTOSIS 1 WITHOUT HORMONE RESISTANCE. Identifiers: Orphanet 280651, MedGen C3276228, MONDO:0007044, OMIM 101800.
Carney complex, type 1 (CNC1). Also called: CARNEY MYXOMA-ENDOCRINE COMPLEX; CARNEY COMPLEX, TYPE I. Identifiers: Orphanet 1359, MedGen C2607929, MONDO:0008057, OMIM 160980.

Allele frequency attached by ClinVar (database versions not stated): ExAC 0.00035; gnomAD 0.00036; 1000 Genomes Project 0.00040; gnomAD exomes 0.00041; TOPMed 0.00046; 1000 Genomes Project 30x 0.00031.
gnomAD v4.1: 475 of 1,614,122 alleles (0.029%); highest among the groups gnomAD compares: Middle Eastern, 0.12%; 1 homozygote.

Submissions (11):

Labcorp Genetics (formerly Invitae), Labcorp
Classification: Likely benign for Carney complex, type 1. Last evaluated: 2026-02-02. Review status: criteria provided, single submitter. Criteria: Invitae Variant Classification Sherloc (09022015). Collection method: clinical testing. Allele origin: germline.

PreventionGenetics, part of Exact Sciences
Classification: Likely benign for PRKAR1A-related condition. Last evaluated: 2026-01-13. Review status: criteria provided, single submitter. Criteria: ACMG Guidelines, 2015. Collection method: clinical testing. Allele origin: germline.
Comment: This variant is classified as likely benign based on ACMG/AMP sequence variant interpretation guidelines (Richards et al. 2015 PMID: 25741868, with internal and published modifications).

Blueprint Genetics
Classification: Likely benign. Last evaluated: 2024-11-05. Review status: criteria provided, single submitter. Criteria: ACMG Guidelines, 2015. Collection method: clinical testing. Allele origin: germline.

Mendelics
Classification: Likely benign for Hereditary cancer. Last evaluated: 2024-09-11. Review status: criteria provided, single submitter. Criteria: ACMG Guidelines, 2015. Collection method: clinical testing. Allele origin: unknown.
Comment: This variant is considered likely benign or benign based on one or more of the following: it is predicted to be benign by multiple in silico algorithms, and/or has population frequency not consistent with disease, and/or has normal protein function, and/or has lack of segregation with disease, and/or has been detected in co-occurrence with known pathogenic variant, and/or has lack of disease association in case-control studies, and/or is located in a region inconsistent with a known cause of pathogenicity.

Women's Health and Genetics/Laboratory Corporation of America, LabCorp
Classification: Likely benign. Last evaluated: 2023-06-07. Review status: criteria provided, single submitter. Criteria: LabCorp Variant Classification Summary - May 2015. Collection method: clinical testing. Allele origin: germline.
Comment: Variant summary: PRKAR1A c.221G>A (p.Arg74His) results in a non-conservative amino acid change in the encoded protein sequence. Three of five in-silico tools predict a benign effect of the variant on protein function. The variant allele was found at a frequency of 0.00041 in 251254 control chromosomes (gnomAD). The observed variant frequency is approximately 220 fold of the estimated maximal expected allele frequency for a pathogenic variant in PRKAR1A causing Carney Complex phenotype (1.9e-06), strongly suggesting that the variant is benign. Although the variant c.221G>A has been reported in the literature in an individual affected with Ovarian cancer (Castellanos 2016), Carney Complex (Tsay 2017), and Pituitary adenomas (de LaPiscina_ 2021). At-least one of these individuals affected with Pituitary adenomas had a pathogenic co-occurrence in AIP gene, c.811C>T;p.R271W (de LaPiscina_ 2021). One of these studies (Tsay 2017), also performed a functional evaluation on the variant of interest, and found that the variant protein was expressed, and while it did not directly alter protein kinase A activity, an increased intracellular level of phosphorylated CREB was observed as a downstream effect; hence indicating an overall increase in cAMP signaling. However, this study does not allow a clearly convincing conclusion about the variant effect. The following publications have been ascertained in the context of this evaluation (PMID: 28051113, 29264456, 34313605). Seven clinical diagnostic laboratories have submitted clinical-significance assessments for this variant to ClinVar after 2014 and classified the variant as likely benign (n=5) or uncertain significance (n=2). Based on the evidence outlined above, the variant was classified as likely benign.

Ambry Genetics
Classification: Likely benign for Hereditary cancer-predisposing syndrome. Last evaluated: 2022-05-10. Review status: criteria provided, single submitter. Criteria: Ambry Variant Classification Scheme 2023. Collection method: clinical testing. Allele origin: germline.

St. Jude Molecular Pathology, St. Jude Children's Research Hospital
Classification: Uncertain significance for Carney complex, type 1. Last evaluated: 2021-09-16. Review status: criteria provided, single submitter. Criteria: St. Jude Assertion Criteria 2020. Collection method: clinical testing. Allele origin: germline.
Comment: The PRKAR1A c.221GA (p.Arg74His) missense change has a maximum frequency of 0.10% in gnomAD v2.1.1 (BS1). Although this frequency is higher than expected for a pathogenic variant associated with Carney complex (PMID: 20301463), this variant has been reported in an individual with Carney complex whose pituitary tumor demonstrated loss of heterozygosity (PMID: 29264456). It has also been reported in multiple individuals with a clinical presentation not suggestive of Carney complex (PMID: 28051113, 32443704, internal data). This variant occurs in a gene where missense variants are more likely to be damaging based on methods described by Lek et al. (PP2; PMID: 27535533). In silico tools are not in agreement about the effect of this variant on protein function. Functional studies of HEK293 cells transfected with a plasmid containing this variant indicated that this variant caused a modest increase in cAMP signaling (PMID: 20301463). In summary, this variant meets criteria to be classified as of uncertain significance based on the ACMG/AMP criteria: BS1, PP2.

Sema4
Classification: Likely benign for Hereditary cancer-predisposing syndrome. Last evaluated: 2021-05-07. Review status: criteria provided, single submitter. Criteria: Sema4 Curation Guidelines. Collection method: curation. Allele origin: germline.

Genetic Services Laboratory, University of Chicago
Classification: Likely benign. Last evaluated: 2019-06-07. Review status: criteria provided, single submitter. Criteria: ACMG Guidelines, 2015. Collection method: clinical testing. Allele origin: germline. Affected: no.

Illumina Laboratory Services, Illumina
Classification: Likely benign for Carney complex, type 1. Last evaluated: 2017-04-27. Review status: criteria provided, single submitter. Criteria: ICSL Variant Classification Criteria 13 December 2019. Collection method: clinical testing. Allele origin: germline.
Comment: This variant was observed as part of a predisposition screen in an ostensibly healthy population. A literature search was performed for the gene, cDNA change, and amino acid change (where applicable). No publications were found based on this search. Allele frequency data from public databases allowed determination this variant is unlikely to cause disease. Therefore, this variant is classified as likely benign.

Illumina Laboratory Services, Illumina
Classification: Likely benign for Acrodysostosis 1 with or without hormone resistance. Last evaluated: 2017-04-27. Review status: criteria provided, single submitter. Criteria: ICSL Variant Classification Criteria 13 December 2019. Collection method: clinical testing. Allele origin: germline.
Comment: the same text as in the submission from Illumina Laboratory Services, Illumina above.

Literature cited by the submitters: PubMed 28051113 (cited by Women's Health and Genetics/Laboratory Corporation of America, LabCorp and Sema4); PubMed 29264456 (cited by Women's Health and Genetics/Laboratory Corporation of America, LabCorp and Sema4); PubMed 34313605 (cited by Women's Health and Genetics/Laboratory Corporation of America, LabCorp); PubMed 28518168 (cited by Ambry Genetics); PubMed 32461654 (cited by Ambry Genetics).

NM_002734.5(PRKAR1A):c.221G>A (p.Arg74His)

Gene: PRKAR1A (protein kinase cAMP-dependent type I regulatory subunit alpha; plus strand). Cytogenetic location: 17q24.2.
Variant type: single nucleotide variant.
Coding change: c.221G>A on transcript NM_002734.5 (MANE Select); coding-DNA position 221, G replaced by A.
Protein change: p.Arg74His; replaces arginine 74 with histidine.
Molecular consequence: missense variant.
Genome position (GRCh38, 1-based): chr17:68,522,799, G>A. VCF-style: chr17-68522799-G-A. GRCh37 (hg19) VCF-style: chr17-66518940-G-A.
Other names: c.221G>A, p.Arg74His (NM_001276289.2, NM_001276290.1, NM_001278433.2 and 4 more transcripts); short protein forms R74H.
Identifiers: ClinVar variation 239382 (VCV000239382.36), dbSNP rs200069356, ClinGen allele CA8729195.
Genomic context (GRCh38, chr17:68,522,799, plus strand): 5'-CTCGTAATTTCTTTCAGGAGGAGGCAAAACAGATTCAGAATCTGCAGAAAGCAGGCACTC[G>A]TACAGACTCAAGGGAGGATGAGATTTCTCCTCCTCCACCCAACCCAGTGGTTAAAGGTAG-3'
Protein context (NP_002725.1, residues 64-84): QIQNLQKAGT[Arg74His]TDSREDEISP